The following is an entry in ClinVar:

ClinVar aggregate classification (germline): Pathogenic. Review status: criteria provided, multiple submitters, no conflicts (2 of 4 stars). 7 submissions from 7 submitters: Pathogenic (5). 2 of the submissions do not count toward it. Last evaluated 2025-10-16.

Conditions:
Inborn genetic diseases. Identifiers: MedGen C0950123, MeSH D030342.
DeSanto-Shinawi syndrome due to WAC point mutation (DESSH). Also called: DEVELOPMENTAL DELAY, BEHAVIORAL ABNORMALITIES, FACIAL DYSMORPHISM, AND OCULAR ABNORMALITIES; Facial dysmorphism-developmental delay-behavioral abnormalities syndrome due to WAC point mutation; WAC-Related Intellectual Disability. Identifiers: Orphanet 284169, Orphanet 466950, MedGen C5681129, MONDO:0014741, OMIM 616708.

Submissions (7):

Ambry Genetics
Classification: Pathogenic for Inborn genetic diseases. Last evaluated: 2025-10-16. Review status: criteria provided, single submitter. Criteria: Ambry Variant Classification Scheme 2023. Collection method: clinical testing. Allele origin: germline.
Comment: The c.1648C>T (p.R550*) alteration, located in exon 12 (coding exon 12) of the WAC gene, consists of a C to T substitution at nucleotide position 1648. This changes the amino acid from a arginine (R) to a stop codon at amino acid position 550. This alteration is expected to result in loss of function by premature protein truncation or nonsense-mediated mRNA decay. This variant was not reported in population-based cohorts in the Genome Aggregation Database (gnomAD). This variant was determined to be de novo in at least one individual with features consistent with DeSanto-Shinawi syndrome (Lugtenberg, 2016; Ho, 2022). Based on the available evidence, this alteration is classified as pathogenic.

Laboratory of Genetics, Children's Clinical University Hospital Latvia
Classification: Pathogenic. Last evaluated: 2025-02-16. Review status: criteria provided, single submitter. Criteria: ACMG Guidelines, 2015. Collection method: clinical testing. Allele origin: germline. Affected: yes.

Dasa
Classification: Pathogenic. Last evaluated: 2024-10-09. Review status: criteria provided, single submitter. Criteria: DASA Assertion Criteria. Collection method: clinical testing. Allele origin: germline.
Comment: NM_016628.5(WAC):c.1648C>T (p.Arg550*) introduces a premature termination codon predicted to result in loss of normal protein function. Loss-of-function is an established mechanism of disease for this gene. De novo occurrence has been reported in an individual with related phenotype. This variant has been recurrently observed in individuals with related phenotype (PMID: 26757981; PMID: 34797027). The variant is present at low frequency in population datasets. Based on the available data, this variant is classified as pathogenic.

GeneDx
Classification: Pathogenic. Last evaluated: 2022-12-31. Review status: criteria provided, single submitter. Criteria: GeneDx Variant Classification Process June 2021. Collection method: clinical testing. Allele origin: germline. Affected: yes.
Comment: Nonsense variant predicted to result in protein truncation or nonsense mediated decay in a gene for which loss-of-function is a known mechanism of disease; Not observed in large population cohorts (gnomAD); This variant is associated with the following publications: (PMID: 31965297, 26757981, 29663678, 29209020, 34797027)

3billion
Classification: Pathogenic for DeSanto-Shinawi syndrome due to WAC point mutation. Last evaluated: 2022-05-22. Review status: criteria provided, single submitter. Criteria: ACMG Guidelines, 2015. Collection method: clinical testing. Allele origin: germline. Affected: yes. Observed: 1 heterozygote.
Comment: The variant is not observed in the gnomAD v2.1.1 dataset. Stop-gained (nonsense): predicted to result in a loss or disruption of normal protein function through nonsense-mediated decay (NMD) or protein truncation. Multiple pathogenic variants are reported downstream of the variant. The variant has been reported to be associated with WAC related disorder (ClinVar ID: VCV000496763 / PMID: 26757981). Therefore, this variant is classified as pathogenic according to the recommendation of ACMG/AMP guideline.

Molecular Genetics laboratory, Necker Hospital
Classification: Pathogenic. Last evaluated: 2021-08-27. Review status: no assertion criteria provided. Collection method: clinical testing. Allele origin: de novo. Affected: yes. Not counted in ClinVar's aggregate classification.

GeneReviews
No classification provided. Condition: DeSanto-Shinawi syndrome. Review status: no classification provided. Collection method: literature only. Allele origin: de novo. Not counted in ClinVar's aggregate classification.

Literature cited by the submitters: PubMed 26757981 (cited by 4 submitters); PubMed 34797027 (cited by Ambry Genetics and Dasa); PubMed 29190062 (cited by GeneReviews).

NM_016628.5(WAC):c.1648C>T (p.Arg550Ter)

Gene: WAC (WW domain containing adaptor with coiled-coil; plus strand). Cytogenetic location: 10p12.1.
Variant type: single nucleotide variant.
Coding change: c.1648C>T on transcript NM_016628.5 (MANE Select); coding-DNA position 1648, C replaced by T.
Protein change: p.Arg550Ter; replaces arginine 550 with a stop codon.
Molecular consequence: nonsense.
Genome position (GRCh38, 1-based): chr10:28,616,264, C>T. VCF-style: chr10-28616264-C-T. GRCh37 (hg19) VCF-style: chr10-28905193-C-T.
Other names: c.1513C>T, p.Arg505Ter (NM_100264.3); c.1339C>T, p.Arg447Ter (NM_100486.4); short protein forms R505*, R550*, R447*.
Identifiers: ClinVar variation 496763 (VCV000496763.10), dbSNP rs1554791943, ClinGen allele CA376405775.